The following is an entry in ClinVar:

ClinVar aggregate classification (germline): Likely benign (1 of 4 stars; one submission).

Submission:

GeneDx
Classification: Likely benign. Last evaluated: 2016-09-06. Review status: criteria provided, single submitter. Criteria: GeneDx Variant Classification (06012015). Collection method: clinical testing. Allele origin: germline. Affected: yes.
Comment: This variant is considered likely benign or benign based on one or more of the following criteria: it is a conservative change, it occurs at a poorly conserved position in the protein, it is predicted to be benign by multiple in silico algorithms, and/or has population frequency not consistent with disease.

NM_000257.4(MYH7):c.2922+6G>A

Gene: MYH7 (myosin heavy chain 7; minus strand). Cytogenetic location: 14q11.2.
Variant type: single nucleotide variant.
Coding change: c.2922+6G>A on transcript NM_000257.4 (MANE Select); 6 bases into the intron after coding-DNA position 2922, G replaced by A.
Molecular consequence: intron variant.
Genome position (GRCh38, 1-based): chr14:23,423,901, C>T on the plus strand (G>A on the coding strand, the complement: MYH7 is on the minus strand). VCF-style: chr14-23423901-C-T. GRCh37 (hg19) VCF-style: chr14-23893110-C-T.
Other names: c.2922+6G>A (LRG_384t1).
Identifiers: ClinVar variation 389144 (VCV000389144.1), dbSNP rs781192476, ClinGen allele CA16606821.
Genomic context (GRCh38, chr14:23,423,901, plus strand): 5'-TCAAGGTCAGTATGGTCTGAGAGTCCTGATGAGACCCGGGCTGGAGCCAAAGGGAGCTGC[C>T]CTTACCTTGTTCTCTGTTGCGTGTTTCTCCTTCTCCACTTTGGCCAGTGTCAGCTCCAGA-3'